The following is an entry in ClinVar:

ClinVar aggregate classification (germline): Likely pathogenic. Review status: criteria provided, multiple submitters, no conflicts (2 of 4 stars). 2 submissions from 2 submitters: Likely pathogenic (2). Last evaluated 2023-12-01.

Allele frequency attached by ClinVar (database versions not stated): gnomAD exomes below 0.00001.
gnomAD v4.1: 5 of 1,614,150 alleles (0.00031%); highest among the groups gnomAD compares: Non-Finnish European, 0.00025%; no homozygotes.

Submissions (2):

CeGaT Center for Human Genetics Tuebingen
Classification: Likely pathogenic. Last evaluated: 2023-12-01. Review status: criteria provided, single submitter. Criteria: CeGaT Center For Human Genetics Tuebingen Variant Classification Criteria Version 2. Collection method: clinical testing. Allele origin: germline. Affected: yes. Observed: 1 variant allele.
Comment: COL7A1: PM2, PM3, PP4:Moderate, PVS1:Moderate

Labcorp Genetics (formerly Invitae), Labcorp
Classification: Likely pathogenic. Last evaluated: 2023-11-20. Review status: criteria provided, single submitter. Criteria: Invitae Variant Classification Sherloc (09022015). Collection method: clinical testing. Allele origin: germline.
Comment: This sequence change affects a donor splice site in intron 99 of the COL7A1 gene. It is expected to disrupt splicing. Variants that disrupt the donor or acceptor splice site typically lead to a loss of protein function (PMID: 16199547), and loss-of-function variants in COL7A1 are known to be disease-causing for autosomal recessive dystrophic epidermolysis bullosa (PMID: 16971478). However, certain variants affecting donor or acceptor splice sites in the triple helical domain of COL7A1 are expected to result in in-frame exon skipping and have been reported to cause autosomal dominant dystrophic epidermolysis bullosa (PMID: 31670143). This variant is not present in population databases (gnomAD no frequency). Disruption of this splice site has been observed in individual(s) with autosomal recessive dystrophic epidermolysis bullosa (PMID: 32250485). This variant is also known as IVS99+1G>A. ClinVar contains an entry for this variant (Variation ID: 1525394). Algorithms developed to predict the effect of sequence changes on RNA splicing suggest that this variant may disrupt the consensus splice site. In summary, the currently available evidence indicates that the variant is pathogenic, but additional data are needed to prove that conclusively. Therefore, this variant has been classified as Likely Pathogenic.

Literature cited by the submitters: PubMed 16199547 (cited by Labcorp Genetics (formerly Invitae), Labcorp); PubMed 16971478 (cited by Labcorp Genetics (formerly Invitae), Labcorp); PubMed 31670143 (cited by Labcorp Genetics (formerly Invitae), Labcorp); PubMed 32250485 (cited by Labcorp Genetics (formerly Invitae), Labcorp).

NM_000094.4(COL7A1):c.7521+1G>A

Gene: COL7A1 (collagen type VII alpha 1 chain; minus strand). Cytogenetic location: 3p21.31.
Variant type: single nucleotide variant.
Coding change: c.7521+1G>A on transcript NM_000094.4 (MANE Select); the canonical splice donor site of the intron after coding-DNA position 7521, G replaced by A.
Molecular consequence: splice donor variant.
Genome position (GRCh38, 1-based): chr3:48,569,879, C>T on the plus strand (G>A on the coding strand, the complement: COL7A1 is on the minus strand). VCF-style: chr3-48569879-C-T. GRCh37 (hg19) VCF-style: chr3-48607312-C-T.
Identifiers: ClinVar variation 1525394 (VCV001525394.30), dbSNP rs1560200657, ClinGen allele CA352645144.